The following is an entry in ClinVar:

ClinVar aggregate classification (germline): Uncertain significance (1 of 4 stars; one submission).

Allele frequency attached by ClinVar (database versions not stated): gnomAD 0.00002; gnomAD exomes 0.00003; TOPMed 0.00004; ExAC 0.00005; 1000 Genomes Project 30x 0.00016; 1000 Genomes Project 0.00020.
gnomAD v4.1: 34 of 1,613,878 alleles (0.0021%); highest among the groups gnomAD compares: Middle Eastern, 0.033%; no homozygotes.

Submission:

Labcorp Genetics (formerly Invitae), Labcorp
Classification: Uncertain significance. Last evaluated: 2022-09-19. Review status: criteria provided, single submitter. Criteria: Invitae Variant Classification Sherloc (09022015). Collection method: clinical testing. Allele origin: germline.
Comment: This sequence change replaces aspartic acid, which is acidic and polar, with glycine, which is neutral and non-polar, at codon 489 of the RPS6KC1 protein (p.Asp489Gly). In summary, the available evidence is currently insufficient to determine the role of this variant in disease. Therefore, it has been classified as a Variant of Uncertain Significance. Algorithms developed to predict the effect of missense changes on protein structure and function output the following: SIFT: "Deleterious"; PolyPhen-2: "Benign"; Align-GVGD: "Class C0". The glycine amino acid residue is found in multiple mammalian species, which suggests that this missense change does not adversely affect protein function. ClinVar contains an entry for this variant (Variation ID: 1438223). This variant has not been reported in the literature in individuals affected with RPS6KC1-related conditions. This variant is present in population databases (rs186781395, gnomAD 0.007%).

NM_012424.6(RPS6KC1):c.1466A>G (p.Asp489Gly)

Gene: RPS6KC1 (ribosomal protein S6 kinase C1; plus strand). Cytogenetic location: 1q32.3.
Variant type: single nucleotide variant.
Coding change: c.1466A>G on transcript NM_012424.6 (MANE Select); coding-DNA position 1466, A replaced by G.
Protein change: p.Asp489Gly; replaces aspartic acid 489 with glycine.
Molecular consequence: missense variant. On other transcripts: non-coding transcript variant (4).
Genome position (GRCh38, 1-based): chr1:213,240,942, A>G. VCF-style: chr1-213240942-A-G. GRCh37 (hg19) VCF-style: chr1-213414285-A-G.
Other names: c.1430A>G, p.Asp477Gly (NM_001136138.4); c.830A>G, p.Asp277Gly (NM_001287218.3, NM_001287219.3, NM_001349654.2); c.71A>G, p.Asp24Gly (NM_001287220.3, NM_001349663.2, NM_001349664.2 and 8 more transcripts); c.923A>G, p.Asp308Gly (NM_001287221.3, NM_001349648.2, NM_001349649.2 and 4 more transcripts); c.1373A>G, p.Asp458Gly (NM_001349646.2); c.1103A>G, p.Asp368Gly (NM_001349647.2); c.575A>G, p.Asp192Gly (NM_001349657.2, NM_001349658.2); c.410A>G, p.Asp137Gly (NM_001349659.2, NM_001349660.2, NM_001349661.2 and 1 more transcripts); short protein forms D458G, D24G, D137G, D308G, D192G, D277G, D368G, D477G.
Identifiers: ClinVar variation 1438223 (VCV001438223.8), dbSNP rs186781395, ClinGen allele CA1387470.
Genomic context (GRCh38, chr1:213,240,942, plus strand): 5'-CTCTGCCTTTGAAGAGTAGTCTTACTCCAAGTTCTCAAGATGACAGCAACCAGGAAGATG[A>G]TGGCCAAGATAGCTCTCCAAAGTGGCCAGATTCTGGTTCAAGTTCAGAAGAAGAATGTAC-3'
Protein context (NP_036556.2, residues 479-499): SSQDDSNQED[Asp489Gly]GQDSSPKWPD